The following is an entry in ClinVar:

ClinVar aggregate classification (germline): Likely benign. Review status: criteria provided, multiple submitters, no conflicts (2 of 4 stars). 2 submissions from 2 submitters: Likely benign (2). Last evaluated 2025-11-19.

Conditions:
Intellectual developmental disorder, autosomal dominant 6, with or without seizures. Also called: GRIN2B-related developmental delay, intellectual disability and autism spectrum disorder; Intellectual disability, autosomal dominant 6. Identifiers: Orphanet 589547, MedGen C3151411, MONDO:0013509, OMIM 613970.
Developmental and epileptic encephalopathy, 27 (DEE27). Also called: Epileptic encephalopathy, early infantile, 27; GRIN2B-Related Neurodevelopmental Disorder. Identifiers: Orphanet 3451, MedGen C4015316, MONDO:0014505, OMIM 616139.

Submissions (2):

Labcorp Genetics (formerly Invitae), Labcorp
Classification: Likely benign for Developmental and epileptic encephalopathy, 27; Intellectual developmental disorder, autosomal dominant 6, with or without seizures. Last evaluated: 2025-11-19. Review status: criteria provided, single submitter. Criteria: Invitae Variant Classification Sherloc (09022015). Collection method: clinical testing. Allele origin: germline.

GeneDx
Classification: Likely benign. Last evaluated: 2016-04-06. Review status: criteria provided, single submitter. Criteria: GeneDx Variant Classification (06012015). Collection method: clinical testing. Allele origin: germline. Affected: yes.
Comment: This variant is considered likely benign or benign based on one or more of the following criteria: it is a conservative change, it occurs at a poorly conserved position in the protein, it is predicted to be benign by multiple in silico algorithms, and/or has population frequency not consistent with disease.

NM_000834.5(GRIN2B):c.2046C>G (p.Arg682=)

Gene: GRIN2B (glutamate ionotropic receptor NMDA type subunit 2B; minus strand). Cytogenetic location: 12p13.1.
Variant type: single nucleotide variant.
Coding change: c.2046C>G on transcript NM_000834.5 (MANE Select); coding-DNA position 2046, C replaced by G.
Protein change: p.Arg682=; no amino-acid change (arginine 682 retained).
Molecular consequence: synonymous variant.
Genome position (GRCh38, 1-based): chr12:13,571,929, G>C on the plus strand (C>G on the coding strand, the complement: GRIN2B is on the minus strand). VCF-style: chr12-13571929-G-C. GRCh37 (hg19) VCF-style: chr12-13724863-G-C.
Identifiers: ClinVar variation 385126 (VCV000385126.2), dbSNP rs1057522130, ClinGen allele CA16606471.